The following is an entry in ClinVar:

ClinVar aggregate classification (germline): Benign/Likely benign. Review status: criteria provided, multiple submitters, no conflicts (2 of 4 stars). 5 submissions from 5 submitters: Benign (1); Likely benign (4). Last evaluated 2025-06-04.

Conditions:
Hereditary cancer-predisposing syndrome. Also called: Tumor predisposition; Neoplastic Syndromes, Hereditary; Hereditary Cancer Syndrome; Hereditary neoplastic syndrome. Identifiers: Orphanet 140162, MedGen C0027672, MeSH D009386, MONDO:0015356.
Familial cancer of breast. Also called: BREAST CANCER, FAMILIAL; hereditary breast carcinoma; Hereditary breast cancer. Identifiers: Orphanet 227535, MedGen C0346153, MONDO:0016419, OMIM 114480. Disease mechanism: loss of function.
Ataxia-telangiectasia syndrome (AT). Also called: Ataxia-telangiectasia; Ataxia-telangiectasia, complementation group D; AT, COMPLEMENTATION GROUP C; LOUIS-BAR SYNDROME; Cerebello-oculocutaneous telangiectasia; Immunodeficiency with ataxia telangiectasia. Identifiers: Orphanet 100, MedGen C0004135, MONDO:0008840, OMIM 208900.

Allele frequency attached by ClinVar (database versions not stated): gnomAD exomes below 0.00001; gnomAD 0.00001.
gnomAD v4.1: 4 of 1,614,038 alleles (0.00025%); highest among the groups gnomAD compares: Admixed American, 0.005%; no homozygotes.

Submissions (5):

Labcorp Genetics (formerly Invitae), Labcorp
Classification: Likely benign for Ataxia-telangiectasia syndrome. Last evaluated: 2025-06-04. Review status: criteria provided, single submitter. Criteria: Invitae Variant Classification Sherloc (09022015). Collection method: clinical testing. Allele origin: germline.

Myriad Genetics, Inc.
Classification: Benign for Familial cancer of breast. Last evaluated: 2024-05-09. Review status: criteria provided, single submitter. Criteria: Myriad Autosomal Dominant, Autosomal Recessive and X-Linked Classification Criteria (2023). Collection method: clinical testing. Allele origin: unknown.
Comment: This variant is considered benign. This variant is a silent/synonymous amino acid change and it is not expected to impact splicing.

GeneDx
Classification: Likely benign. Last evaluated: 2018-12-13. Review status: criteria provided, single submitter. Criteria: GeneDx Variant Classification Process June 2021. Collection method: clinical testing. Allele origin: germline. Affected: yes.

Color Diagnostics, LLC DBA Color Health
Classification: Likely benign for Hereditary cancer-predisposing syndrome. Last evaluated: 2016-04-25. Review status: criteria provided, single submitter. Criteria: ACMG Guidelines, 2015. Collection method: clinical testing. Allele origin: germline.

Ambry Genetics
Classification: Likely benign for Hereditary cancer-predisposing syndrome. Last evaluated: 2015-11-11. Review status: criteria provided, single submitter. Criteria: Ambry Variant Classification Scheme 2023. Collection method: clinical testing. Allele origin: germline.

NM_000051.4(ATM):c.2571A>G (p.Leu857=)

Gene: ATM (ATM serine/threonine kinase; plus strand). Cytogenetic location: 11q22.3.
Variant type: single nucleotide variant.
Coding change: c.2571A>G on transcript NM_000051.4 (MANE Select); coding-DNA position 2571, A replaced by G.
Protein change: p.Leu857=; no amino-acid change (leucine 857 retained).
Molecular consequence: synonymous variant.
Genome position (GRCh38, 1-based): chr11:108,267,275, A>G. VCF-style: chr11-108267275-A-G. GRCh37 (hg19) VCF-style: chr11-108138002-A-G.
Other names: c.2571A>G, p.Leu857= (NM_001351834.2).
Identifiers: ClinVar variation 490477 (VCV000490477.20), dbSNP rs1191404395, ClinGen allele CA476673634.